The following is an entry in ClinVar:

ClinVar aggregate classification (germline): Uncertain significance. Review status: criteria provided, multiple submitters, no conflicts (2 of 4 stars). 2 submissions from 2 submitters: Uncertain significance (2). Last evaluated 2024-10-07.

Conditions:
Inborn genetic diseases. Identifiers: MedGen C0950123, MeSH D030342.

Allele frequency attached by ClinVar (database versions not stated): ExAC 0.00001; gnomAD 0.00001; TOPMed 0.00002; 1000 Genomes Project 30x 0.00016; 1000 Genomes Project 0.00020.
gnomAD v4.1: 3 of 1,614,254 alleles (0.00019%); highest among the groups gnomAD compares: African/African-American, 0.004%; no homozygotes.

Submissions (2):

Ambry Genetics
Classification: Uncertain significance for Inborn genetic diseases. Last evaluated: 2024-10-07. Review status: criteria provided, single submitter. Criteria: Ambry Variant Classification Scheme 2023. Collection method: clinical testing. Allele origin: germline.

Labcorp Genetics (formerly Invitae), Labcorp
Classification: Uncertain significance. Last evaluated: 2022-07-09. Review status: criteria provided, single submitter. Criteria: Invitae Variant Classification Sherloc (09022015). Collection method: clinical testing. Allele origin: germline.
Comment: This sequence change replaces asparagine, which is neutral and polar, with serine, which is neutral and polar, at codon 735 of the HPS5 protein (p.Asn735Ser). This variant is present in population databases (rs150687707, gnomAD 0.007%). This variant has not been reported in the literature in individuals affected with HPS5-related conditions. Algorithms developed to predict the effect of missense changes on protein structure and function (SIFT, PolyPhen-2, Align-GVGD) all suggest that this variant is likely to be tolerated. In summary, the available evidence is currently insufficient to determine the role of this variant in disease. Therefore, it has been classified as a Variant of Uncertain Significance.

NM_181507.2(HPS5):c.2204A>G (p.Asn735Ser)

Gene: HPS5 (HPS5 biogenesis of lysosomal organelles complex 2 subunit 2; minus strand). Cytogenetic location: 11p15.1.
Variant type: single nucleotide variant.
Coding change: c.2204A>G on transcript NM_181507.2 (MANE Select); coding-DNA position 2204, A replaced by G.
Protein change: p.Asn735Ser; replaces asparagine 735 with serine.
Molecular consequence: missense variant.
Genome position (GRCh38, 1-based): chr11:18,291,678, T>C on the plus strand (A>G on the coding strand, the complement: HPS5 is on the minus strand). VCF-style: chr11-18291678-T-C. GRCh37 (hg19) VCF-style: chr11-18313225-T-C.
Other names: c.1862A>G, p.Asn621Ser (NM_007216.4, NM_181508.2); short protein forms N621S, N735S.
Identifiers: ClinVar variation 1918289 (VCV001918289.3), dbSNP rs150687707, ClinGen allele CA5909899.